The following is an entry in ClinVar:

ClinVar aggregate classification (germline): Pathogenic/Likely pathogenic. Review status: criteria provided, multiple submitters, no conflicts (2 of 4 stars). 6 submissions from 6 submitters: Pathogenic (3); Likely pathogenic (3). Last evaluated 2025-08-26.

Conditions:
Hereditary cancer-predisposing syndrome. Also called: Neoplastic Syndromes, Hereditary; Tumor predisposition; Hereditary Cancer Syndrome; Hereditary neoplastic syndrome. Identifiers: Orphanet 140162, MedGen C0027672, MeSH D009386, MONDO:0015356.
Familial cancer of breast. Also called: BREAST CANCER, FAMILIAL; Hereditary breast cancer; hereditary breast carcinoma. Identifiers: Orphanet 227535, MedGen C0346153, MONDO:0016419, OMIM 114480. Disease mechanism: loss of function.
Ataxia-telangiectasia syndrome (AT). Also called: LOUIS-BAR SYNDROME; Cerebello-oculocutaneous telangiectasia; Immunodeficiency with ataxia telangiectasia; Ataxia telangiectasia (A-T); Ataxia-telangiectasia, complementation group D; AT, COMPLEMENTATION GROUP C. Identifiers: Orphanet 100, MedGen C0004135, MONDO:0008840, OMIM 208900.

Allele frequency attached by ClinVar (database versions not stated): gnomAD exomes below 0.00001.
gnomAD v4.1: 1 of 1,613,520 alleles (0.000062%); highest among the groups gnomAD compares: Non-Finnish European, 0.000085%; no homozygotes.

Submissions (6):

Molecular Diagnostics Laboratory, Catalan Institute of Oncology
Classification: Likely pathogenic for Hereditary cancer-predisposing syndrome. Last evaluated: 2025-08-26. Review status: criteria provided, single submitter. Criteria: ClinGen ACMG Specifications ATM V1.1.0. Collection method: clinical testing. Allele origin: germline.
Comment: PVS1, PM2_Supporting c.7788+1G>C, located in a canonic splicing site of the ATM gene, is predicted to alter splicing probably causing the skipping of exon 52, (r.7630_7788del). This alteration is expected to result in loss of function by premature protein truncation and nonsense-mediated mRNA decay (PVS1). It is not present in the population database gnomAD v2.1.1, non cancer dataset (PM2_Supporting). To our knowledge, neither relevant clinical data nor well-established functional studies have been reported for this variant. It has been reported in the ClinVar database (3x likely pathogenic, 2x pathogenic) and in the LOVD database (1x Not classified). Based on the currently available evidence, c.7788+1G>C is classified as a likely pathogenic variant according to ClinGen-ATM Guidelines v.1.1.

Labcorp Genetics (formerly Invitae), Labcorp
Classification: Pathogenic for Ataxia-telangiectasia syndrome. Last evaluated: 2025-06-09. Review status: criteria provided, single submitter. Criteria: Invitae Variant Classification Sherloc (09022015). Collection method: clinical testing. Allele origin: germline.
Comment: This sequence change affects a donor splice site in intron 52 of the ATM gene. It is expected to disrupt RNA splicing. Variants that disrupt the donor or acceptor splice site typically lead to a loss of protein function (PMID: 16199547), and loss-of-function variants in ATM are known to be pathogenic (PMID: 23807571, 25614872). This variant is not present in population databases (gnomAD no frequency). Disruption of this splice site has been observed in individual(s) with clinical features of autosomal recessive ATM-related conditions (internal data). In at least one individual the data is consistent with being in trans (on the opposite chromosome) from a pathogenic variant. ClinVar contains an entry for this variant (Variation ID: 1467603). Algorithms developed to predict the effect of sequence changes on RNA splicing suggest that this variant may disrupt the consensus splice site. For these reasons, this variant has been classified as Pathogenic.

Natera, Inc.
Classification: Likely pathogenic for Ataxia-telangiectasia. Last evaluated: 2025-02-18. Review status: criteria provided, single submitter. Criteria: Natera Variant Classification Schema (03/2026). Collection method: clinical testing. Allele origin: germline.
Comment: The c.7788+1G>C variant in ATM is a canonical splice donor site variant predicted to affect pre-mRNA splicing, which may result in an abnormal transcript and altered protein product. This variant is expected to result in nonsense mediated decay, truncation, or a dysfunctional protein product. This variant is rare in the general population with a frequency below the threshold expected for the associated phenotype(s). Functional studies show that this variant may disrupt protein function (PMID: 35716007). Given the available evidence, this variant is classified as Likely Pathogenic.

Ambry Genetics
Classification: Likely pathogenic for Hereditary cancer-predisposing syndrome. Last evaluated: 2024-11-18. Review status: criteria provided, single submitter. Criteria: Ambry Variant Classification Scheme 2023. Collection method: clinical testing. Allele origin: germline.
Comment: The c.7788+1G>C intronic variant results from a G to C substitution one nucleotide after coding exon 51 of the ATM gene. This variant is considered to be rare based on population cohorts in the Genome Aggregation Database (gnomAD). This nucleotide position is highly conserved in available vertebrate species. In silico splice site analysis predicts that this alteration will weaken the native splice donor site. RNA studies have demonstrated that this alteration results in abnormal splicing in the set of samples tested (Ambry internal data). Alterations that disrupt the canonical splice site are expected to cause aberrant splicing, resulting in an abnormal protein or a transcript that is subject to nonsense-mediated mRNA decay. As such, this alteration is classified as likely pathogenic.

Quest Diagnostics Nichols Institute San Juan Capistrano
Classification: Pathogenic. Last evaluated: 2024-05-03. Review status: criteria provided, single submitter. Criteria: Quest Diagnostics criteria. Collection method: clinical testing. Allele origin: unknown.
Comment: The ATM c.7788+1G>C variant disrupts a canonical splice-donor site and interferes with normal ATM mRNA splicing. This variant has been reported in the published literature in breast cancer cases a large scale breast cancer association study (PMID: 33471991 (2021), see also LOVD). This variant has not been reported in large, multi-ethnic general populations (Genome Aggregation Database). Based on the available information, this variant is classified as pathogenic.

Myriad Genetics, Inc.
Classification: Pathogenic for Familial cancer of breast. Last evaluated: 2024-02-01. Review status: criteria provided, single submitter. Criteria: Myriad Autosomal Dominant, Autosomal Recessive and X-Linked Classification Criteria (2023). Collection method: clinical testing. Allele origin: unknown.
Comment: This variant is considered pathogenic. This variant occurs within a consensus splice junction and is predicted to result in abnormal mRNA splicing of either an out-of-frame exon or an in-frame exon necessary for protein stability and/or normal function. mRNA analysis has demonstrated abnormal mRNA splicing occurs [Myriad internal data].

Literature cited by the submitters: PubMed 16199547 (cited by Labcorp Genetics (formerly Invitae), Labcorp); PubMed 23807571 (cited by Labcorp Genetics (formerly Invitae), Labcorp); PubMed 25614872 (cited by Labcorp Genetics (formerly Invitae), Labcorp); PubMed 35716007 (cited by Natera, Inc.); PubMed 33471991 (cited by Quest Diagnostics Nichols Institute San Juan Capistrano).

NM_000051.4(ATM):c.7788+1G>C

Genes: C11orf65 (chromosome 11 open reading frame 65; minus strand), ATM (ATM serine/threonine kinase; plus strand). Cytogenetic location: 11q22.3.
Variant type: single nucleotide variant.
Coding change: c.7788+1G>C on transcript NM_000051.4 (MANE Select); the canonical splice donor site of the intron after coding-DNA position 7788, G replaced by C.
Molecular consequence: splice donor variant. On other transcripts: intron variant (2).
Genome position (GRCh38, 1-based): chr11:108,332,038, G>C. VCF-style: chr11-108332038-G-C. GRCh37 (hg19) VCF-style: chr11-108202765-G-C.
Other names: c.7788+1G>C (NM_001351834.2); c.641-22967C>G (NM_001330368.2); c.*38+3182C>G (NM_001351110.2).
Identifiers: ClinVar variation 1467603 (VCV001467603.11), dbSNP rs1565534524, ClinGen allele CA382561225.